The following is an entry in ClinVar:

ClinVar aggregate classification (germline): Uncertain significance (1 of 4 stars; one submission).

Conditions:
Early Myoclonic Encephalopathy. Identifiers: MedGen C0270855.

Allele frequency attached by ClinVar (database versions not stated): gnomAD 0.00001; TOPMed 0.00002.

Submission:

Labcorp Genetics (formerly Invitae), Labcorp
Classification: Uncertain significance for Early Myoclonic Encephalopathy. Last evaluated: 2020-05-27. Review status: criteria provided, single submitter. Criteria: Invitae Variant Classification Sherloc (09022015). Collection method: clinical testing. Allele origin: germline.
Comment: In summary, the available evidence is currently insufficient to determine the role of this variant in disease. Therefore, it has been classified as a Variant of Uncertain Significance. Algorithms developed to predict the effect of missense changes on protein structure and function (SIFT, PolyPhen-2, Align-GVGD) all suggest that this variant is likely to be tolerated, but these predictions have not been confirmed by published functional studies and their clinical significance is uncertain. This variant has not been reported in the literature in individuals with JMJD1C-related disease. This variant is not present in population databases (ExAC no frequency). This sequence change replaces methionine with threonine at codon 1236 of the JMJD1C protein (p.Met1236Thr). The methionine residue is moderately conserved and there is a moderate physicochemical difference between methionine and threonine.

NM_032776.3(JMJD1C):c.3707T>C (p.Met1236Thr)

Gene: JMJD1C (jumonji domain containing 1C; minus strand). Cytogenetic location: 10q21.3.
Variant type: single nucleotide variant.
Coding change: c.3707T>C on transcript NM_032776.3 (MANE Select); coding-DNA position 3707, T replaced by C.
Protein change: p.Met1236Thr; replaces methionine 1236 with threonine.
Molecular consequence: missense variant. On other transcripts: non-coding transcript variant (1).
Genome position (GRCh38, 1-based): chr10:63,207,962, A>G on the plus strand (T>C on the coding strand, the complement: JMJD1C is on the minus strand). VCF-style: chr10-63207962-A-G. GRCh37 (hg19) VCF-style: chr10-64967722-A-G.
Other names: c.3161T>C, p.Met1054Thr (NM_001282948.2, NM_001318154.2); c.2843T>C, p.Met948Thr (NM_001318153.2); c.3593T>C, p.Met1198Thr (NM_001322252.2); c.3050T>C, p.Met1017Thr (NM_001322254.2, NM_001322258.2); short protein forms M948T, M1054T, M1017T, M1236T, M1198T.
Identifiers: ClinVar variation 1038203 (VCV001038203.8), dbSNP rs1422090752, ClinGen allele CA377040527.
Genomic context (GRCh38, chr10:63,207,962, plus strand): 5'-TCGGGTATTAGAGTTGGAGGCTTCTGTGATTCTTGAACTTTACCACCAGCATTTACTGGC[A>G]TCACCGGAGTTAAAGTTGGAGGGGAAAGACTACTATAGCTGCCTTCCTTTCTTTCCAGGC-3'
Protein context (NP_116165.1, residues 1226-1246): SLSPPTLTPV[Met1236Thr]PVNAGGKVQE